The following is an entry in ClinVar:

NM_058216.3(RAD51C):c.127C>A (p.Pro43Thr)

Gene: RAD51C (RAD51 paralog C; plus strand). Cytogenetic location: 17q22.
Variant type: single nucleotide variant.
Coding change: c.127C>A on transcript NM_058216.3 (MANE Select); coding-DNA position 127, C replaced by A.
Protein change: p.Pro43Thr; replaces proline 43 with threonine.
Molecular consequence: missense variant. On other transcripts: non-coding transcript variant (1).
Genome position (GRCh38, 1-based): chr17:58,692,770, C>A. VCF-style: chr17-58692770-C-A. GRCh37 (hg19) VCF-style: chr17-56770131-C-A.
Other names: c.127C>A, p.Pro43Thr (NM_002876.4); c.127C>A (NM_058216.1); short protein forms P43T.
Identifiers: ClinVar variation 923362 (VCV000923362.9), dbSNP rs1442559963, ClinGen allele CA400337677.
Genomic context (GRCh38, chr17:58,692,770, plus strand): 5'-GTGCGGGTGAAGCTGGTGTCTGCGGGGTTCCAGACTGCTGAGGAACTCCTAGAGGTGAAA[C>A]CCTCCGAGCTTAGCAAAGGTAACGACTCCTGATGGCAAGCTGAGGCACACCGGCCGCCGT-3'
Protein context (NP_478123.1, residues 33-53): QTAEELLEVK[Pro43Thr]SELSKEVGIS

ClinVar aggregate classification (germline): Uncertain significance. Review status: criteria provided, multiple submitters, no conflicts (2 of 4 stars). 3 submissions from 3 submitters: Uncertain significance (3). Last evaluated 2023-12-04.

Conditions:
Hereditary cancer-predisposing syndrome. Also called: Hereditary Cancer Syndrome; Hereditary neoplastic syndrome; Neoplastic Syndromes, Hereditary; Tumor predisposition. Identifiers: Orphanet 140162, MedGen C0027672, MeSH D009386, MONDO:0015356.
Fanconi anemia complementation group O. Also called: RAD51C-Related Fanconi Anemia. Identifiers: Orphanet 84, MedGen C3150653, MONDO:0013248, OMIM 613390.

Submissions (3):

Color Diagnostics, LLC DBA Color Health
Classification: Uncertain significance for Hereditary cancer-predisposing syndrome. Last evaluated: 2023-12-04. Review status: criteria provided, single submitter. Criteria: ACMG Guidelines, 2015. Collection method: clinical testing. Allele origin: germline.
Comment: This missense variant replaces proline with threonine at codon 43 of the RAD51C protein. Computational prediction suggests that this variant may not impact protein structure and function (internally defined REVEL score threshold <= 0.5, PMID: 27666373). To our knowledge, functional studies have not been reported for this variant. This variant has not been reported in individuals affected with RAD51C-related disorders in the literature. This variant has not been identified in the general population by the Genome Aggregation Database (gnomAD). The available evidence is insufficient to determine the role of this variant in disease conclusively. Therefore, this variant is classified as a Variant of Uncertain Significance.

Labcorp Genetics (formerly Invitae), Labcorp
Classification: Uncertain significance for Fanconi anemia complementation group O. Last evaluated: 2023-05-21. Review status: criteria provided, single submitter. Criteria: Invitae Variant Classification Sherloc (09022015). Collection method: clinical testing. Allele origin: germline.
Comment: In summary, the available evidence is currently insufficient to determine the role of this variant in disease. Therefore, it has been classified as a Variant of Uncertain Significance. This sequence change replaces proline, which is neutral and non-polar, with threonine, which is neutral and polar, at codon 43 of the RAD51C protein (p.Pro43Thr). This variant is not present in population databases (gnomAD no frequency). This variant has not been reported in the literature in individuals affected with RAD51C-related conditions. ClinVar contains an entry for this variant (Variation ID: 923362). Advanced modeling of protein sequence and biophysical properties (such as structural, functional, and spatial information, amino acid conservation, physicochemical variation, residue mobility, and thermodynamic stability) has been performed at Invitae for this missense variant, however the output from this modeling did not meet the statistical confidence thresholds required to predict the impact of this variant on RAD51C protein function.

Ambry Genetics
Classification: Uncertain significance for Hereditary cancer-predisposing syndrome. Last evaluated: 2023-02-23. Review status: criteria provided, single submitter. Criteria: Ambry Variant Classification Scheme 2023. Collection method: clinical testing. Allele origin: germline.
Comment: The p.P43T variant (also known as c.127C>A), located in coding exon 1 of the RAD51C gene, results from a C to A substitution at nucleotide position 127. The proline at codon 43 is replaced by threonine, an amino acid with highly similar properties. This amino acid position is conserved. In addition, this alteration is predicted to be tolerated by in silico analysis. Since supporting evidence is limited at this time, the clinical significance of this alteration remains unclear.